The following is an entry in ClinVar:

NM_000166.6(GJB1):c.194A>C (p.Tyr65Ser)

Gene: GJB1 (gap junction protein beta 1; plus strand). Cytogenetic location: Xq13.1.
Variant type: single nucleotide variant.
Coding change: c.194A>C on transcript NM_000166.6 (MANE Select); coding-DNA position 194, A replaced by C.
Protein change: p.Tyr65Ser; replaces tyrosine 65 with serine.
Molecular consequence: missense variant.
Genome position (GRCh38, 1-based): chrX:71,223,901, A>C. VCF-style: chrX-71223901-A-C. GRCh37 (hg19) VCF-style: chrX-70443751-A-C.
Other names: c.194A>C, p.Tyr65Ser (NM_001097642.3); short protein forms Y65S.
Identifiers: ClinVar variation 1352004 (VCV001352004.8), dbSNP rs104894819, ClinGen allele CA413501371.

ClinVar aggregate classification (germline): Uncertain significance (1 of 4 stars; one submission).

Conditions:
Charcot-Marie-Tooth Neuropathy X. Identifiers: MedGen CN118851.

Submission:

Labcorp Genetics (formerly Invitae), Labcorp
Classification: Uncertain significance for Charcot-Marie-Tooth Neuropathy X. Last evaluated: 2020-11-27. Review status: criteria provided, single submitter. Criteria: Invitae Variant Classification Sherloc (09022015). Collection method: clinical testing. Allele origin: germline.
Comment: This sequence change replaces tyrosine with serine at codon 65 of the GJB1 protein (p.Tyr65Ser). The tyrosine residue is highly conserved and there is a large physicochemical difference between tyrosine and serine. This variant is not present in population databases (ExAC no frequency). This variant has been observed in individual(s) with Charcot-Marie-Tooth disease (Invitae). Algorithms developed to predict the effect of missense changes on protein structure and function are either unavailable or do not agree on the potential impact of this missense change (SIFT: "Deleterious"; PolyPhen-2: "Probably Damaging"; Align-GVGD: "Class C0"). This variant disrupts the p.Tyr65 amino acid residue in GJB1. Other variant(s) that disrupt this residue have been determined to be pathogenic (PMID: 7477983, 27804109, 28469099, Invitae). This suggests that this residue is clinically significant, and that variants that disrupt this residue are likely to be disease-causing. In summary, the available evidence is currently insufficient to determine the role of this variant in disease. Therefore, it has been classified as a Variant of Uncertain Significance.

Literature cited by the submitters: PubMed 7477983; PubMed 27804109; PubMed 28469099.